The following is an entry in ClinVar:

ClinVar aggregate classification (germline): Benign. Review status: criteria provided, multiple submitters, no conflicts (2 of 4 stars). 2 submissions from 2 submitters: Benign (2). Last evaluated 2018-01-13.

Conditions:
Multiple cutaneous and mucosal venous malformations (VMCM). Also called: TEK-Related Multiple Cutaneous and Mucosal Venous Malformations (VMCM). Identifiers: Orphanet 2451, MedGen C1838437, MONDO:0010842, OMIM 600195.

Allele frequency attached by ClinVar (database versions not stated): 1000 Genomes Project 30x 0.13226; TOPMed 0.17387; gnomAD exomes 0.15955; 1000 Genomes Project 0.12879; gnomAD 0.15475.
gnomAD v4.1: 26,796 of 161,090 alleles (17%); highest among the groups gnomAD compares: Admixed American, 22%; 2,367 homozygotes.

Submissions (2):

Illumina Laboratory Services, Illumina
Classification: Benign for Multiple cutaneous and mucosal venous malformations. Last evaluated: 2018-01-13. Review status: criteria provided, single submitter. Criteria: ICSL Variant Classification Criteria 13 December 2019. Collection method: clinical testing. Allele origin: germline.
Comment: This variant was observed in the ICSL laboratory as part of a predisposition screen in an ostensibly healthy population. It had not been previously curated by ICSL or reported in the Human Gene Mutation Database (HGMD: prior to June 1st, 2018), and was therefore a candidate for classification through an automated scoring system. Utilizing variant allele frequency, disease prevalence and penetrance estimates, and inheritance mode, an automated score was calculated to assess if this variant is too frequent to cause the disease. Based on the score and internal cut-off values, a variant classified as benign is not then subjected to further curation. The score for this variant resulted in a classification of benign for this disease.

Breakthrough Genomics
Classification: Benign. Review status: criteria provided, single submitter. Criteria: ACMG Guidelines, 2015. Collection method: not provided. Allele origin: germline. Inheritance: Autosomal dominant inheritance. Affected: yes.

NM_000459.5(TEK):c.*556G>A

Gene: TEK (TEK receptor tyrosine kinase; plus strand). Cytogenetic location: 9p21.2.
Variant type: single nucleotide variant.
Coding change: c.*556G>A on transcript NM_000459.5 (MANE Select); 556 bases downstream of the stop codon, G replaced by A.
Molecular consequence: 3 prime UTR variant.
Genome position (GRCh38, 1-based): chr9:27,229,788, G>A. VCF-style: chr9-27229788-G-A. GRCh37 (hg19) VCF-style: chr9-27229786-G-A.
Other names: c.*556G>A (NM_001290077.2, NM_001290078.2, NM_001375475.1 and 1 more transcripts).
Identifiers: ClinVar variation 366470 (VCV000366470.6), dbSNP rs857, ClinGen allele CA10633410.